The following is an entry in ClinVar:

ClinVar aggregate classification (germline): Uncertain significance (1 of 4 stars; one submission).

Conditions:
KMT2D-related disorder. Also called: KMT2D-Related Disorders.

gnomAD v4.1: 2 of 1,612,344 alleles (0.00012%); highest among the groups gnomAD compares: Non-Finnish European, 0.00017%; no homozygotes.

Submission:

PreventionGenetics, part of Exact Sciences
Classification: Uncertain significance for KMT2D-related condition. Last evaluated: 2025-11-15. Review status: criteria provided, single submitter. Criteria: ACMG Guidelines, 2015. Collection method: clinical testing. Allele origin: germline.
Comment: The KMT2D c.277C>A variant is not predicted to result in an amino acid change (p.=). This variant is predicted to impact splicing based on available splicing prediction programs (SpliceAI, Jaganathan et al. 2019. PubMed ID: 30661751). However, the use of computer prediction programs is not equivalent to functional evidence. In the literature this variant is also reported as chr12_49448434_G_T. This variant has been reported in the heterozygous state an individual with congenital heart disease (Lesurf et al. 2024. PubMed ID: 39402625). This variant has not been reported in a large population database, indicating this variant is rare. At this time, the clinical significance of this variant is uncertain due to the absence of conclusive functional and genetic evidence.

NM_003482.4(KMT2D):c.277C>A (p.Arg93=)

Gene: KMT2D (lysine methyltransferase 2D; minus strand). Cytogenetic location: 12q13.12.
Variant type: single nucleotide variant.
Coding change: c.277C>A on transcript NM_003482.4 (MANE Select); coding-DNA position 277, C replaced by A.
Protein change: p.Arg93=; no amino-acid change (arginine 93 retained).
Molecular consequence: synonymous variant.
Genome position (GRCh38, 1-based): chr12:49,054,651, G>T on the plus strand (C>A on the coding strand, the complement: KMT2D is on the minus strand). VCF-style: chr12-49054651-G-T. GRCh37 (hg19) VCF-style: chr12-49448434-G-T.
Identifiers: ClinVar variation 4991235 (VCV004991235.1).
Genomic context (GRCh38, chr12:49,054,651, plus strand): 5'-CACTGGGCAGCACTGCCTCATTGGGCCCTGGGCTCCCCCCAGGGGACACCACTGGACACC[G>T]GGGCCAATCAAATGGCAACTCAAAGCGCCGTAGCTCCCGCTGCCCGTGTAGACTGGGCTC-3'
Protein context (NP_003473.3, residues 83-103): RRFELPFDWP[Arg93=]CPVVSPGGSP